The following is an entry in ClinVar:

ClinVar aggregate classification (germline): Pathogenic (1 of 4 stars; one submission).

Submission:

Labcorp Genetics (formerly Invitae), Labcorp
Classification: Pathogenic. Last evaluated: 2024-01-29. Review status: criteria provided, single submitter. Criteria: Invitae Variant Classification Sherloc (09022015). Collection method: clinical testing. Allele origin: germline.
Comment: This sequence change creates a premature translational stop signal (p.Pro289Alafs*53) in the HNF1A gene. It is expected to result in an absent or disrupted protein product. Loss-of-function variants in HNF1A are known to be pathogenic (PMID: 15928245, 18003757). This variant is not present in population databases (gnomAD no frequency). This variant has not been reported in the literature in individuals affected with HNF1A-related conditions. For these reasons, this variant has been classified as Pathogenic.

Literature cited by the submitters: PubMed 15928245; PubMed 18003757.

NM_000545.8(HNF1A):c.865_866delinsG (p.Pro289fs)

Gene: HNF1A (HNF1 homeobox A; plus strand). Cytogenetic location: 12q24.31.
Variant type: Indel.
Coding change: c.865_866delinsG on transcript NM_000545.8 (MANE Select); coding-DNA positions 865 to 866, CC replaced by G.
Protein change: p.Pro289fs; shifts the reading frame from proline 289.
Molecular consequence: frameshift variant.
Genome position (GRCh38, 1-based): chr12:120,994,315-120,994,316, CC replaced by G. VCF-style: chr12-120994315-CC-G. GRCh37 (hg19) VCF-style: chr12-121432118-CC-G.
Other names: c.865_866delinsG, p.Pro289fs (NM_001306179.2); c.865_866delCCinsG, p.Pro289Alafs (NM_001406915.1); short protein forms P289fs.
Identifiers: ClinVar variation 2017522 (VCV002017522.4), dbSNP rs2499997754, ClinGen allele CA2580085932.
Genomic context (GRCh38, chr12:120,994,315, plus strand): 5'-GCCAACCGGCGCAAAGAAGAAGCCTTCCGGCACAAGCTGGCCATGGACACGTACAGCGGG[CC>G]CCCCCCAGGGCCAGGCCCGGGACCTGCGCTGCCCGCTCACAGCTCCCCTGGCCTGCCTCC-3'